The following is an entry in ClinVar:

NM_006015.6(ARID1A):c.1921-4_1921-3insCTATGTTC

Gene: ARID1A (AT-rich interaction domain 1A; plus strand). Cytogenetic location: 1p36.11.
Variant type: Insertion.
Coding change: c.1921-4_1921-3insCTATGTTC on transcript NM_006015.6 (MANE Select); 4 bases into the intron before coding-DNA position 1921 through 3 bases into the intron before coding-DNA position 1921, CTATGTTC inserted.
Molecular consequence: intron variant.
Genome position: GRCh38 VCF-style: chr1-26760845-A-ATATGTTCC. GRCh37 (hg19) VCF-style: chr1-27087336-A-ATATGTTCC.
Other names: c.1921-4_1921-3insCTATGTTC (NM_139135.4).
Identifiers: ClinVar variation 4886359 (VCV004886359.2).

ClinVar aggregate classification (germline): Uncertain significance (1 of 4 stars; one submission).

Submission:

Dasa
Classification: Uncertain significance. Last evaluated: 2025-04-14. Review status: criteria provided, single submitter. Criteria: DASA Assertion Criteria. Collection method: clinical testing. Allele origin: germline.
Comment: NM_006015.6(ARID1A):c.1921-4_1921-3insCTATGTTC is a splice-region variant. This variant is absent from population databases. The currently available literature and clinical evidence are not sufficient to establish a definitive association between this variant and the reported condition. Therefore, this variant is classified as a variant of uncertain significance.